The following is an entry in ClinVar:

ClinVar aggregate classification (germline): Benign (1 of 4 stars; one submission).

Conditions:
Focal segmental glomerulosclerosis 2 (FSGS2). Identifiers: Orphanet 656, MedGen C1858915, MONDO:0011390, OMIM 603965.

Allele frequency attached by ClinVar (database versions not stated): TOPMed 0.00379; 1000 Genomes Project 30x 0.01062; 1000 Genomes Project 0.01278.

Submission:

Illumina Laboratory Services, Illumina
Classification: Benign for Focal segmental glomerulosclerosis 2. Last evaluated: 2018-01-13. Review status: criteria provided, single submitter. Criteria: ICSL Variant Classification Criteria 13 December 2019. Collection method: clinical testing. Allele origin: germline.
Comment: This variant was observed in the ICSL laboratory as part of a predisposition screen in an ostensibly healthy population. It had not been previously curated by ICSL or reported in the Human Gene Mutation Database (HGMD: prior to June 1st, 2018), and was therefore a candidate for classification through an automated scoring system. Utilizing variant allele frequency, disease prevalence and penetrance estimates, and inheritance mode, an automated score was calculated to assess if this variant is too frequent to cause the disease. Based on the score and internal cut-off values, a variant classified as benign is not then subjected to further curation. The score for this variant resulted in a classification of benign for this disease.

NM_004621.6(TRPC6):c.*1089C>T

Gene: TRPC6 (transient receptor potential cation channel subfamily C member 6; minus strand). Cytogenetic location: 11q22.1.
Variant type: single nucleotide variant.
Coding change: c.*1089C>T on transcript NM_004621.6 (MANE Select); 1089 bases downstream of the stop codon, C replaced by T.
Molecular consequence: 3 prime UTR variant.
Genome position (GRCh38, 1-based): chr11:101,451,866, G>A on the plus strand (C>T on the coding strand, the complement: TRPC6 is on the minus strand). VCF-style: chr11-101451866-G-A. GRCh37 (hg19) VCF-style: chr11-101322597-G-A.
Identifiers: ClinVar variation 301878 (VCV000301878.5), dbSNP rs117895343, ClinGen allele CA10637212.